The following is an entry in ClinVar:

ClinVar aggregate classification (germline): Uncertain significance (1 of 4 stars; one submission).

gnomAD v4.1: 1 of 1,613,554 alleles (0.000062%); highest among the groups gnomAD compares: Non-Finnish European, 0.000085%; no homozygotes.

Submission:

Labcorp Genetics (formerly Invitae), Labcorp
Classification: Uncertain significance. Last evaluated: 2022-03-04. Review status: criteria provided, single submitter. Criteria: Invitae Variant Classification Sherloc (09022015). Collection method: clinical testing. Allele origin: germline.
Comment: This sequence change replaces glycine, which is neutral and non-polar, with glutamic acid, which is acidic and polar, at codon 12 of the FAM65B protein (p.Gly12Glu). This variant is not present in population databases (gnomAD no frequency). This variant has not been reported in the literature in individuals affected with FAM65B-related conditions. Algorithms developed to predict the effect of missense changes on protein structure and function are either unavailable or do not agree on the potential impact of this missense change (SIFT: "Deleterious"; PolyPhen-2: "Probably Damaging"; Align-GVGD: "Class C0"). In summary, the available evidence is currently insufficient to determine the role of this variant in disease. Therefore, it has been classified as a Variant of Uncertain Significance.

NM_001286445.3(RIPOR2):c.122G>A (p.Gly41Glu)

Gene: RIPOR2 (RHO family interacting cell polarization regulator 2; minus strand). Cytogenetic location: 6p22.3.
Variant type: single nucleotide variant.
Coding change: c.122G>A on transcript NM_001286445.3 (MANE Select); coding-DNA position 122, G replaced by A.
Protein change: p.Gly41Glu; replaces glycine 41 with glutamic acid.
Molecular consequence: missense variant.
Genome position (GRCh38, 1-based): chr6:24,875,757, C>T on the plus strand (G>A on the coding strand, the complement: RIPOR2 is on the minus strand). VCF-style: chr6-24875757-C-T. GRCh37 (hg19) VCF-style: chr6-24875985-C-T.
Other names: c.137G>A, p.Gly46Glu (NM_001286446.3); c.35G>A, p.Gly12Glu (NM_001286447.2, NM_001346031.2, NM_001346032.2 and 2 more transcripts); short protein forms G41E, G12E, G46E.
Identifiers: ClinVar variation 2106234 (VCV002106234.4), dbSNP rs2533072844, ClinGen allele CA362987005.
Genomic context (GRCh38, chr6:24,875,757, plus strand): 5'-CGCCTTTCCTGGAGGCCGCTGAAACCCGCAAAGGACTGGCTTCTAATGATCCCATTGGGC[C>T]CTCCAGGCGAAAAAGACTGGGATCCTACCAACATGATTTCCGGGAGTCTGGTCGGTAGTC-3'
Protein context (NP_001273374.1, residues 31-51): LVGSQSFSPG[Gly41Glu]PNGIIRSQSF